The following is an entry in ClinVar:

NM_001282531.3(ADNP):c.1207_1208del (p.Ser403fs)

Gene: ADNP (activity dependent neuroprotector homeobox; minus strand). Cytogenetic location: 20q13.13.
Variant type: Microsatellite.
Coding change: c.1207_1208del on transcript NM_001282531.3 (MANE Select); coding-DNA positions 1207 to 1208, 2 bases deleted (TC; older notation c.1207_1208delTC).
Protein change: p.Ser403fs; shifts the reading frame from serine 403.
Molecular consequence: frameshift variant.
Genome position (GRCh38, 1-based): chr20:50,893,506-50,893,507, GA deleted on the plus strand (TC on the coding strand, the reverse complement: ADNP is on the minus strand); deleting any 2 consecutive bases within chr20:50,893,506-50,893,513 gives the same sequence; the c. name uses the placement nearest the transcript's 3' end. VCF-style (leftmost placement, unchanged base first): chr20-50893505-TGA-T. GRCh37 (hg19) VCF-style: chr20-49510042-TGA-T.
Other names: c.1207_1208del, p.Ser403fs (NM_001282532.2, NM_001347511.2, NM_015339.5 and 1 more transcripts); c.1423_1424del, p.Ser475fs (NM_001439000.1); c.523_524del, p.Ser175fs (NM_001439001.1); short protein forms S175fs, S403fs, S475fs.
Identifiers: ClinVar variation 4530589 (VCV004530589.3).

ClinVar aggregate classification (germline): Pathogenic/Likely pathogenic. Review status: criteria provided, multiple submitters, no conflicts (2 of 4 stars). 2 submissions from 2 submitters: Pathogenic (1); Likely pathogenic (1). Last evaluated 2025-10-30.

Conditions:
ADNP-related multiple congenital anomalies - intellectual disability - autism spectrum disorder. Also called: Helsmoortel-Van der Aa Syndrome; ADNP-Related Helsmoortel-Van der Aa Syndrome. Identifiers: Orphanet 404448, MedGen C4014538, MONDO:0014379, OMIM 615873. Disease mechanism: loss of function.

Submissions (2):

Institute of Human Genetics, University of Leipzig Medical Center
Classification: Pathogenic for ADNP-related multiple congenital anomalies - intellectual disability - autism spectrum disorder. Last evaluated: 2025-10-30. Review status: criteria provided, single submitter. Criteria: ACMG Guidelines, 2015. Collection method: clinical testing. Allele origin: unknown. Inheritance: Autosomal dominant inheritance. Affected: yes.
Comment: Criteria applied: PVS1,PM2,PS2_MOD

Juno Genomics, Hangzhou Juno Genomics, Inc
Classification: Likely pathogenic for ADNP-related multiple congenital anomalies - intellectual disability - autism spectrum disorder. Review status: criteria provided, single submitter. Criteria: ACMG Guidelines, 2015. Collection method: clinical testing. Allele origin: germline.
Comment: Absent from controls (or at extremely low frequency if recessive) in Genome Aggregation Database.;Null variant in a gene where loss of function (LOF) is a known mechanism of disease.;De novo (both maternity and paternity confirmed) in a patient with the disease and no family history.